The following is an entry in ClinVar:

NM_000222.3(KIT):c.1637A>T (p.Lys546Ile)

Gene: KIT (KIT proto-oncogene, receptor tyrosine kinase; plus strand). Cytogenetic location: 4q12.
Variant type: single nucleotide variant.
Coding change: c.1637A>T on transcript NM_000222.3 (MANE Select); coding-DNA position 1637, A replaced by T.
Protein change: p.Lys546Ile; replaces lysine 546 with isoleucine.
Molecular consequence: missense variant.
Genome position (GRCh38, 1-based): chr4:54,727,314, A>T. VCF-style: chr4-54727314-A-T. GRCh37 (hg19) VCF-style: chr4-55593480-A-T.
Other names: c.1637A>T (NM_000222.2); c.1625A>T, p.Lys542Ile (NM_001093772.2, NM_001385286.1); c.1640A>T, p.Lys547Ile (NM_001385284.1, NM_001385290.1); c.1637A>T, p.Lys546Ile (NM_001385285.1); c.1628A>T, p.Lys543Ile (NM_001385288.1, NM_001385292.1); short protein forms K543I, K547I, K542I, K546I.
Identifiers: ClinVar variation 1477184 (VCV001477184.8), dbSNP rs1722289602, ClinGen allele CA356907375.

ClinVar aggregate classification (germline): Uncertain significance. Review status: criteria provided, multiple submitters, no conflicts (2 of 4 stars). 2 submissions from 2 submitters: Uncertain significance (2). Last evaluated 2025-01-12.

Conditions:
Hereditary cancer-predisposing syndrome. Also called: Hereditary neoplastic syndrome; Tumor predisposition; Hereditary Cancer Syndrome; Neoplastic Syndromes, Hereditary. Identifiers: Orphanet 140162, MedGen C0027672, MeSH D009386, MONDO:0015356.
Gastrointestinal stromal tumor. Also called: Gastrointestinal stroma tumor; Gastrointestinal stromal tumor, somatic. Identifiers: Orphanet 44890, MedGen C0238198, MeSH D046152, MONDO:0011719, OMIM 606764, HP:0100723.

Submissions (2):

Labcorp Genetics (formerly Invitae), Labcorp
Classification: Uncertain significance for Gastrointestinal stromal tumor. Last evaluated: 2025-01-12. Review status: criteria provided, single submitter. Criteria: Invitae Variant Classification Sherloc (09022015). Collection method: clinical testing. Allele origin: germline.
Comment: This sequence change replaces lysine, which is basic and polar, with isoleucine, which is neutral and non-polar, at codon 546 of the KIT protein (p.Lys546Ile). This variant is not present in population databases (gnomAD no frequency). This variant has not been reported in the literature in individuals affected with KIT-related conditions. ClinVar contains an entry for this variant (Variation ID: 1477184). An algorithm developed to predict the effect of missense changes on protein structure and function (PolyPhen-2) suggests that this variant is likely to be tolerated. In summary, the available evidence is currently insufficient to determine the role of this variant in disease. Therefore, it has been classified as a Variant of Uncertain Significance.

Ambry Genetics
Classification: Uncertain significance for Hereditary cancer-predisposing syndrome. Last evaluated: 2023-06-28. Review status: criteria provided, single submitter. Criteria: Ambry Variant Classification Scheme 2023. Collection method: clinical testing. Allele origin: germline.
Comment: The p.K546I variant (also known as c.1637A>T), located in coding exon 10 of the KIT gene, results from an A to T substitution at nucleotide position 1637. The lysine at codon 546 is replaced by isoleucine, an amino acid with dissimilar properties. This amino acid position is conserved. In addition, the in silico prediction for this alteration is inconclusive. Since supporting evidence is limited at this time, the clinical significance of this alteration remains unclear.